The following is an entry in ClinVar:

NM_003482.4(KMT2D):c.4103C>A (p.Ser1368Tyr)

Gene: KMT2D (lysine methyltransferase 2D; minus strand). Cytogenetic location: 12q13.12.
Variant type: single nucleotide variant.
Coding change: c.4103C>A on transcript NM_003482.4 (MANE Select); coding-DNA position 4103, C replaced by A.
Protein change: p.Ser1368Tyr; replaces serine 1368 with tyrosine.
Molecular consequence: missense variant.
Genome position (GRCh38, 1-based): chr12:49,048,687, G>T on the plus strand (C>A on the coding strand, the complement: KMT2D is on the minus strand). VCF-style: chr12-49048687-G-T. GRCh37 (hg19) VCF-style: chr12-49442470-G-T.
Other names: short protein forms S1368Y.
Identifiers: ClinVar variation 2698545 (VCV002698545.3), dbSNP rs2120624955, ClinGen allele CA384650386.

ClinVar aggregate classification (germline): Uncertain significance (1 of 4 stars; one submission).

Conditions:
Kabuki syndrome. Also called: NIIKAWA-KUROKI SYNDROME; Kabuki make-up syndrome. Identifiers: Orphanet 2322, MedGen C0796004, MONDO:0016512.

Submission:

Labcorp Genetics (formerly Invitae), Labcorp
Classification: Uncertain significance for Kabuki syndrome. Last evaluated: 2023-11-24. Review status: criteria provided, single submitter. Criteria: Invitae Variant Classification Sherloc (09022015). Collection method: clinical testing. Allele origin: germline.
Comment: This sequence change replaces serine, which is neutral and polar, with tyrosine, which is neutral and polar, at codon 1368 of the KMT2D protein (p.Ser1368Tyr). This variant is not present in population databases (gnomAD no frequency). This variant has not been reported in the literature in individuals affected with KMT2D-related conditions. Advanced modeling of protein sequence and biophysical properties (such as structural, functional, and spatial information, amino acid conservation, physicochemical variation, residue mobility, and thermodynamic stability) performed at Invitae indicates that this missense variant is expected to disrupt KMT2D protein function with a positive predictive value of 95%. In summary, the available evidence is currently insufficient to determine the role of this variant in disease. Therefore, it has been classified as a Variant of Uncertain Significance.